The following is an entry in ClinVar:

ClinVar aggregate classification (germline): Uncertain significance (1 of 4 stars; one submission).

Submission:

Ambry Genetics
Classification: Uncertain significance. Last evaluated: 2024-12-07. Review status: criteria provided, single submitter. Criteria: Ambry Variant Classification Scheme 2023. Collection method: clinical testing. Allele origin: germline.
Comment: The p.A74V variant (also known as c.221C>T), located in coding exon 1 of the GALNT12 gene, results from a C to T substitution at nucleotide position 221. The alanine at codon 74 is replaced by valine, an amino acid with similar properties. This amino acid position is conserved. In addition, this alteration is predicted to be tolerated by in silico analysis. Based on the available evidence, the clinical significance of this variant remains unclear.

NM_024642.5(GALNT12):c.221C>T (p.Ala74Val)

Gene: GALNT12 (polypeptide N-acetylgalactosaminyltransferase 12; plus strand). Cytogenetic location: 9q22.33.
Variant type: single nucleotide variant.
Coding change: c.221C>T on transcript NM_024642.5 (MANE Select); coding-DNA position 221, C replaced by T.
Protein change: p.Ala74Val; replaces alanine 74 with valine.
Molecular consequence: missense variant.
Genome position (GRCh38, 1-based): chr9:98,807,919, C>T. VCF-style: chr9-98807919-C-T. GRCh37 (hg19) VCF-style: chr9-101570201-C-T.
Other names: short protein forms A74V.
Identifiers: ClinVar variation 3518523 (VCV003518523.1).
Genomic context (GRCh38, chr9:98,807,919, plus strand): 5'-GCACCCCGCGCCCCGGGCGGCGCGAGCCGGTCATGCCGCGGCCGCCGGTGCCGGCGAACG[C>T]GCTGGGCGCGCGGGGCGAGGCGGTGCGGCTGCAGCTGCAGGGCGAGGAGCTGCGGCTGCA-3'
Protein context (NP_078918.3, residues 64-84): VMPRPPVPAN[Ala74Val]LGARGEAVRL